The following is an entry in ClinVar:

ClinVar aggregate classification (germline): Uncertain significance (1 of 4 stars; one submission).

Conditions:
Cardiovascular phenotype. Identifiers: MedGen CN230736.

gnomAD v4.1: 1 of 1,612,334 alleles (0.000062%); highest among the groups gnomAD compares: Non-Finnish European, 0.000085%; no homozygotes.

Submission:

Ambry Genetics
Classification: Uncertain significance for Cardiovascular phenotype. Last evaluated: 2024-04-13. Review status: criteria provided, single submitter. Criteria: Ambry Variant Classification Scheme 2023. Collection method: clinical testing. Allele origin: germline.
Comment: The p.I64T variant (also known as c.191T>C), located in coding exon 3 of the RIT1 gene, results from a T to C substitution at nucleotide position 191. The isoleucine at codon 64 is replaced by threonine, an amino acid with similar properties. This amino acid position is conserved. In addition, this alteration is predicted to be deleterious by in silico analysis. Based on the available evidence, the clinical significance of this variant remains unclear.

NM_006912.6(RIT1):c.191T>C (p.Ile64Thr)

Gene: RIT1 (Ras like without CAAX 1; minus strand). Cytogenetic location: 1q22.
Variant type: single nucleotide variant.
Coding change: c.191T>C on transcript NM_006912.6 (MANE Select); coding-DNA position 191, T replaced by C.
Protein change: p.Ile64Thr; replaces isoleucine 64 with threonine.
Molecular consequence: missense variant.
Genome position (GRCh38, 1-based): chr1:155,904,777, A>G on the plus strand (T>C on the coding strand, the complement: RIT1 is on the minus strand). VCF-style: chr1-155904777-A-G. GRCh37 (hg19) VCF-style: chr1-155874568-A-G.
Other names: c.83T>C, p.Ile28Thr (NM_001256820.2); c.242T>C, p.Ile81Thr (NM_001256821.2); short protein forms I64T, I81T, I28T.
Identifiers: ClinVar variation 3314560 (VCV003314560.1).